The following is an entry in ClinVar:

ClinVar aggregate classification (germline): Uncertain significance (1 of 4 stars; one submission).

Conditions:
Multiple mitochondrial dysfunctions syndrome 1 (MMDS1). Identifiers: Orphanet 401869, MedGen C3276432, MONDO:0011582, OMIM 605711.

Submission:

Labcorp Genetics (formerly Invitae), Labcorp
Classification: Uncertain significance for Multiple mitochondrial dysfunctions syndrome 1. Last evaluated: 2022-04-25. Review status: criteria provided, single submitter. Criteria: Invitae Variant Classification Sherloc (09022015). Collection method: clinical testing. Allele origin: germline.
Comment: This variant has not been reported in the literature in individuals affected with NFU1-related conditions. In summary, the available evidence is currently insufficient to determine the role of this variant in disease. Therefore, it has been classified as a Variant of Uncertain Significance. Experimental studies and prediction algorithms are not available or were not evaluated, and the functional significance of this variant is currently unknown. This variant is not present in population databases (gnomAD no frequency). This variant, c.501_503del, results in the deletion of 1 amino acid(s) of the NFU1 protein (p.Asp167del), but otherwise preserves the integrity of the reading frame.

NM_001002755.4(NFU1):c.498TGA[1] (p.Asp167del)

Gene: NFU1 (NFU1 iron-sulfur cluster scaffold; minus strand). Cytogenetic location: 2p13.3.
Variant type: Microsatellite.
Coding change: c.498TGA[1] on transcript NM_001002755.4 (MANE Select); one copy of the 3-base unit TGA starting at c.498; the reference has two copies in a row; one copy, 3 bases deleted.
Protein change: p.Asp167del; deletes aspartic acid 167.
Molecular consequence: inframe deletion. On other transcripts: non-coding transcript variant (2).
Genome position (GRCh38, 1-based): chr2:69,406,064-69,406,066, TCA deleted on the plus strand (TGA on the coding strand, the reverse complement: NFU1 is on the minus strand); deleting any 3 consecutive bases within chr2:69,406,064-69,406,071 gives the same sequence; the position shown is the placement nearest the transcript's 3' end. VCF-style (leftmost placement, unchanged base first): chr2-69406063-TTCA-T. GRCh37 (hg19) VCF-style: chr2-69633195-TTCA-T.
Other names: c.75TGA[1], p.Asp26del (NM_001002756.2); c.426TGA[1], p.Asp143del (NM_001374284.1, NM_015700.4); short protein forms D143del, D26del, D167del.
Identifiers: ClinVar variation 2125692 (VCV002125692.4), dbSNP rs2466302004, ClinGen allele CA2580611646.